The following is an entry in ClinVar:

ClinVar aggregate classification (germline): Uncertain significance (1 of 4 stars; one submission).

Conditions:
Hajdu-Cheney syndrome (HJCYS). Also called: Acroosteolysis dominant type; ACROOSTEOLYSIS WITH OSTEOPOROSIS AND CHANGES IN SKULL AND MANDIBLE; SERPENTINE FIBULA-POLYCYSTIC KIDNEY SYNDROME. Identifiers: Orphanet 955, MedGen C0917715, MONDO:0007057, OMIM 102500.

Allele frequency attached by ClinVar (database versions not stated): gnomAD exomes below 0.00001.
gnomAD v4.1: 1 of 1,614,120 alleles (0.000062%); highest among the groups gnomAD compares: African/African-American, 0.0013%; no homozygotes.

Submission:

Labcorp Genetics (formerly Invitae), Labcorp
Classification: Uncertain significance for Hajdu-Cheney syndrome. Last evaluated: 2022-09-01. Review status: criteria provided, single submitter. Criteria: Invitae Variant Classification Sherloc (09022015). Collection method: clinical testing. Allele origin: germline.
Comment: This variant has not been reported in the literature in individuals affected with NOTCH2-related conditions. In summary, the available evidence is currently insufficient to determine the role of this variant in disease. Therefore, it has been classified as a Variant of Uncertain Significance. Advanced modeling of protein sequence and biophysical properties (such as structural, functional, and spatial information, amino acid conservation, physicochemical variation, residue mobility, and thermodynamic stability) performed at Invitae indicates that this missense variant is not expected to disrupt NOTCH2 protein function. This variant is not present in population databases (gnomAD no frequency). This sequence change replaces glutamine, which is neutral and polar, with glutamic acid, which is acidic and polar, at codon 405 of the NOTCH2 protein (p.Gln405Glu).

NM_024408.4(NOTCH2):c.1213C>G (p.Gln405Glu)

Gene: NOTCH2 (notch receptor 2; minus strand). Cytogenetic location: 1p12.
Variant type: single nucleotide variant.
Coding change: c.1213C>G on transcript NM_024408.4 (MANE Select); coding-DNA position 1213, C replaced by G.
Protein change: p.Gln405Glu; replaces glutamine 405 with glutamic acid.
Molecular consequence: missense variant.
Genome position (GRCh38, 1-based): chr1:119,968,128, G>C on the plus strand (C>G on the coding strand, the complement: NOTCH2 is on the minus strand). VCF-style: chr1-119968128-G-C. GRCh37 (hg19) VCF-style: chr1-120510751-G-C.
Other names: c.1213C>G, p.Gln405Glu (NM_001200001.2); short protein forms Q405E.
Identifiers: ClinVar variation 1718578 (VCV001718578.6), dbSNP rs2526307600, ClinGen allele CA341880838.
Genomic context (GRCh38, chr1:119,968,128, plus strand): 5'-CTTACTCACCCATGGCACATTCATCCACATCTTCTGTGCAGTCAGCCCCTTTGTAGCCTT[G>C]TGGGCAGGTGCAAATATATTGCCCATTTAGGGGGTTGGTGTCACACAGTGCCCCCTTGTG-3'
Protein context (NP_077719.2, residues 395-415): LNGQYICTCP[Gln405Glu]GYKGADCTED